The following is an entry in ClinVar:

NM_002225.5(IVD):c.1123G>A (p.Gly375Ser)

Gene: IVD (isovaleryl-CoA dehydrogenase; plus strand). Cytogenetic location: 15q15.1.
Variant type: single nucleotide variant.
Coding change: c.1123G>A on transcript NM_002225.5 (MANE Select); coding-DNA position 1123, G replaced by A.
Protein change: p.Gly375Ser; replaces glycine 375 with serine.
Molecular consequence: missense variant. On other transcripts: non-coding transcript variant (1).
Genome position (GRCh38, 1-based): chr15:40,416,347, G>A. VCF-style: chr15-40416347-G-A. GRCh37 (hg19) VCF-style: chr15-40708546-G-A.
Other names: c.1033G>A, p.Gly345Ser (NM_001159508.3); c.1075G>A, p.Gly359Ser (NM_001354597.3); c.1123G>A, p.Gly375Ser (NM_001354598.3, NM_001354601.3); c.1210G>A, p.Gly404Ser (NM_001354599.3, NM_001354600.3); short protein forms G345S, G359S, G375S, G404S.
Identifiers: ClinVar variation 1331437 (VCV001331437.12), dbSNP rs544110604, ClinGen allele CA7480889.

ClinVar aggregate classification (germline): Pathogenic/Likely pathogenic. Review status: criteria provided, multiple submitters, no conflicts (2 of 4 stars). 5 submissions from 5 submitters: Pathogenic (3); Likely pathogenic (2). Last evaluated 2025-09-22.

Conditions:
Isovaleryl-CoA dehydrogenase deficiency (IVA). Also called: ISOVALERIC ACID CoA DEHYDROGENASE DEFICIENCY; Isovaleric acidemia; Classic Isovaleric Acidemia; IVD DEFICIENCY. Identifiers: Orphanet 33, MedGen C0268575, MONDO:0009475, OMIM 243500.

Allele frequency attached by ClinVar (database versions not stated): TOPMed below 0.00001; gnomAD 0.00001; ExAC 0.00002; gnomAD exomes 0.00002; 1000 Genomes Project 30x 0.00016; 1000 Genomes Project 0.00020.
gnomAD v4.1: 7 of 1,614,034 alleles (0.00043%); highest among the groups gnomAD compares: South Asian, 0.0033%; no homozygotes.

Submissions (5):

Labcorp Genetics (formerly Invitae), Labcorp
Classification: Pathogenic for Isovaleryl-CoA dehydrogenase deficiency. Last evaluated: 2025-09-22. Review status: criteria provided, single submitter. Criteria: Invitae Variant Classification Sherloc (09022015). Collection method: clinical testing. Allele origin: germline.
Comment: This sequence change replaces glycine, which is neutral and non-polar, with serine, which is neutral and polar, at codon 378 of the IVD protein (p.Gly378Ser). This variant is present in population databases (rs544110604, gnomAD 0.006%). This missense change has been observed in individual(s) with isovaleric acidemia (PMID: 32977617, 33496032, 33565069). In at least one individual the data is consistent with being in trans (on the opposite chromosome) from a pathogenic variant. This variant is also known as p.G375S. ClinVar contains an entry for this variant (Variation ID: 1331437). An algorithm developed to predict the effect of missense changes on protein structure and function (PolyPhen-2) suggests that this variant is likely to be disruptive. This variant disrupts the p.Gly378 amino acid residue in IVD. Other variant(s) that disrupt this residue have been determined to be pathogenic (PMID: 19089597, 32977617). This suggests that this residue is clinically significant, and that variants that disrupt this residue are likely to be disease-causing. For these reasons, this variant has been classified as Pathogenic.

Women's Health and Genetics/Laboratory Corporation of America, LabCorp
Classification: Pathogenic for Isovaleryl-CoA dehydrogenase deficiency. Last evaluated: 2025-06-17. Review status: criteria provided, single submitter. Criteria: LabCorp Variant Classification Summary - May 2015. Collection method: clinical testing. Allele origin: germline.
Comment: Variant summary: IVD c.1123G>A (p.Gly375Ser) results in a non-conservative amino acid change in the encoded protein sequence. Algorithms developed to predict the effect of missense changes on protein structure and function all suggest that this variant is likely to be disruptive. The variant allele was found at a frequency of 1.6e-05 in 251424 control chromosomes (gnomAD). c.1123G>A has been reported in the literature in individuals affected with isovaleric acidemia (Szymaska_2020, Che_2021, Mtze_2021) as well as in one individual who was tested for a panel of rare inborn errors of metabolism (Adhikari_2020). These data indicate that the variant is very likely to be associated with disease. To our knowledge, no experimental evidence demonstrating an impact on protein function has been reported. The following publications have been ascertained in the context of this evaluation (PMID: 32778825, 33565069, 32977617, 33496032). ClinVar contains an entry for this variant (Variation ID: 1331437). Based on the evidence outlined above, the variant was classified as pathogenic.

Natera, Inc.
Classification: Likely pathogenic for Isovaleryl-coa dehydrogenase deficiency. Last evaluated: 2025-02-17. Review status: criteria provided, single submitter. Criteria: Natera Variant Classification Schema (03/2026). Collection method: clinical testing. Allele origin: germline.
Comment: The c.1132G>A variant in IVD is a missense variant predicted to cause substitution of glycine to serine at amino acid 378. This variant is rare in the general population with a frequency below the threshold expected for the associated phenotype(s). This variant has been observed in one or more individuals affected with the associated recessive disease, as either homozygous or compound heterozygous with a second variant (PMID: 32977617, 33565069, 37429829, 38863445). This variant has been identified in one or more affected individual with a phenotype highly consistent with the associated gene (PMID: 33565069, 32977617, 38863445, 32977617, 37429829). Computational prediction algorithms indicate this variant is likely to affect gene or protein function. Given the available evidence, this variant is classified as Likely Pathogenic.

Baylor Genetics
Classification: Pathogenic for Isovaleryl-CoA dehydrogenase deficiency. Last evaluated: 2024-03-18. Review status: criteria provided, single submitter. Criteria: ACMG Guidelines, 2015. Collection method: clinical testing. Allele origin: unknown.

Juno Genomics, Hangzhou Juno Genomics, Inc
Classification: Likely pathogenic for Isovaleryl-CoA dehydrogenase deficiency. Review status: criteria provided, single submitter. Criteria: ACMG Guidelines, 2015. Collection method: clinical testing. Allele origin: germline. Affected: yes.
Comment: Absent from controls (or at extremely low frequency if recessive) in Genome Aggregation Database, Exome Sequencing Project, 1000 Genomes Project, or Exome Aggregation Consortium.;Multiple lines of computational evidence support a deleterious effect on the gene or gene product (conservation, evolutionary, splicing impact, etc).;For recessive disorders, detected in trans with a pathogenic variant.;Patient's phenotype or family history is highly specific for a disease with a single genetic etiology.

Literature cited by the submitters: PubMed 32977617 (cited by 3 submitters); PubMed 33496032 (cited by Labcorp Genetics (formerly Invitae), Labcorp and Women's Health and Genetics/Laboratory Corporation of America, LabCorp); PubMed 33565069 (cited by 3 submitters); PubMed 19089597 (cited by Labcorp Genetics (formerly Invitae), Labcorp); PubMed 32778825 (cited by Women's Health and Genetics/Laboratory Corporation of America, LabCorp); PubMed 37429829 (cited by Natera, Inc.); PubMed 38863445 (cited by Natera, Inc.).